The following is an entry in ClinVar:

ClinVar aggregate classification (germline): Uncertain significance (1 of 4 stars; one submission).

Submission:

Ambry Genetics
Classification: Uncertain significance. Last evaluated: 2024-11-22. Review status: criteria provided, single submitter. Criteria: Ambry Variant Classification Scheme 2023. Collection method: clinical testing. Allele origin: germline.
Comment: The p.E1434D variant (also known as c.4302G>C), located in coding exon 14 of the CDK12 gene, results from a G to C substitution at nucleotide position 4302. The glutamic acid at codon 1434 is replaced by aspartic acid, an amino acid with highly similar properties. This amino acid position is conserved. In addition, the in silico prediction for this alteration is inconclusive. Based on the available evidence, the clinical significance of this variant remains unclear.

NM_016507.4(CDK12):c.4302G>C (p.Glu1434Asp)

Gene: CDK12 (cyclin dependent kinase 12; plus strand). Cytogenetic location: 17q12.
Variant type: single nucleotide variant.
Coding change: c.4302G>C on transcript NM_016507.4 (MANE Select); coding-DNA position 4302, G replaced by C.
Protein change: p.Glu1434Asp; replaces glutamic acid 1434 with aspartic acid.
Molecular consequence: missense variant.
Genome position (GRCh38, 1-based): chr17:39,531,145, G>C. VCF-style: chr17-39531145-G-C. GRCh37 (hg19) VCF-style: chr17-37687398-G-C.
Other names: c.4275G>C, p.Glu1425Asp (NM_015083.4); short protein forms E1425D, E1434D.
Identifiers: ClinVar variation 3489243 (VCV003489243.1).